The following is an entry in ClinVar:

NM_000051.4(ATM):c.154G>T (p.Gly52Ter)

Gene: ATM (ATM serine/threonine kinase; plus strand). Cytogenetic location: 11q22.3.
Variant type: single nucleotide variant.
Coding change: c.154G>T on transcript NM_000051.4 (MANE Select); coding-DNA position 154, G replaced by T.
Protein change: p.Gly52Ter; replaces glycine 52 with a stop codon.
Molecular consequence: nonsense.
Genome position (GRCh38, 1-based): chr11:108,227,857, G>T. VCF-style: chr11-108227857-G-T. GRCh37 (hg19) VCF-style: chr11-108098584-G-T.
Other names: p.G52*:GGA>TGA; c.154G>T, p.Gly52Ter (NM_001351834.2, NM_001351835.2, NM_001351836.2); short protein forms G52*.
Identifiers: ClinVar variation 181946 (VCV000181946.5), dbSNP rs730881362, ClinGen allele CA298216.
Genomic context (GRCh38, chr11:108,227,857, plus strand): 5'-CGCCTGATTCGAGATCCTGAAACAATTAAACATCTAGATCGGCATTCAGATTCCAAACAA[G>T]GAAAATATTTGAATTGGGATGCTGTTTTTAGGTATTCTATTCAAATTTATTTTACTGTCT-3'

ClinVar aggregate classification (germline): Pathogenic/Likely pathogenic. Review status: criteria provided, multiple submitters, no conflicts (2 of 4 stars). 4 submissions from 4 submitters: Pathogenic (3); Likely pathogenic (1). Last evaluated 2024-01-05.

Conditions:
Familial cancer of breast. Also called: BREAST CANCER, FAMILIAL; Hereditary breast cancer; hereditary breast carcinoma. Identifiers: Orphanet 227535, MedGen C0346153, MONDO:0016419, OMIM 114480. Disease mechanism: loss of function.
Hereditary cancer-predisposing syndrome. Also called: Tumor predisposition; Hereditary Cancer Syndrome; Hereditary neoplastic syndrome; Neoplastic Syndromes, Hereditary. Identifiers: Orphanet 140162, MedGen C0027672, MeSH D009386, MONDO:0015356.

Submissions (4):

Myriad Genetics, Inc.
Classification: Pathogenic for Familial cancer of breast. Last evaluated: 2024-01-05. Review status: criteria provided, single submitter. Criteria: Myriad Autosomal Dominant, Autosomal Recessive and X-Linked Classification Criteria (2023). Collection method: clinical testing. Allele origin: unknown.
Comment: This variant is considered pathogenic. This variant creates a termination codon and is predicted to result in premature protein truncation.

Baylor Genetics
Classification: Likely pathogenic for Familial cancer of breast. Last evaluated: 2021-04-01. Review status: criteria provided, single submitter. Criteria: ACMG Guidelines, 2015. Collection method: clinical testing. Allele origin: unknown.

Ambry Genetics
Classification: Pathogenic for Hereditary cancer-predisposing syndrome. Last evaluated: 2021-03-23. Review status: criteria provided, single submitter. Criteria: Ambry Variant Classification Scheme 2023. Collection method: clinical testing. Allele origin: germline.
Comment: The p.G52* pathogenic mutation (also known as c.154G>T), located in coding exon 2 of the ATM gene, results from a G to T substitution at nucleotide position 154. This changes the amino acid from a glycine to a stop codon within coding exon 2. This alteration was identified in 1/10030 consecutive patients referred for evaluation by an NGS hereditary cancer panel (Susswein LR et al. Genet Med, 2016 08;18:823-32). In addition to the clinical data presented in the literature, this alteration is expected to result in loss of function by premature protein truncation or nonsense-mediated mRNA decay. As such, this alteration is interpreted as a disease-causing mutation.

GeneDx
Classification: Pathogenic. Last evaluated: 2014-12-09. Review status: criteria provided, single submitter. Criteria: GeneDx Variant Classification (06012015). Collection method: clinical testing. Allele origin: germline. Affected: yes.
Comment: This pathogenic variant is denoted ATM c.154G>T at the cDNA level and p.Gly52Ter (G52X) at the protein level. The substitution creates a nonsense variant, which changes a Glycine to a premature stop codon (GGA>TGA), and is predicted to cause loss of normal protein function through either protein truncation or nonsense-mediated mRNA decay. Although this variant has not, to our knowledge, been reported in the literature, it is considered pathogenic.The presence of

Literature cited by the submitters: PubMed 26681312 (cited by Ambry Genetics); PubMed 32906206 (cited by Ambry Genetics).